The following is an entry in ClinVar:

NM_001130144.3(LTBP3):c.89T>G (p.Leu30Arg)

Gene: LTBP3 (latent transforming growth factor beta binding protein 3; minus strand). Cytogenetic location: 11q13.1.
Variant type: single nucleotide variant.
Coding change: c.89T>G on transcript NM_001130144.3 (MANE Select); coding-DNA position 89, T replaced by G.
Protein change: p.Leu30Arg; replaces leucine 30 with arginine.
Molecular consequence: missense variant. On other transcripts: 5 prime UTR variant (1).
Genome position (GRCh38, 1-based): chr11:65,557,871, A>C on the plus strand (T>G on the coding strand, the complement: LTBP3 is on the minus strand). VCF-style: chr11-65557871-A-C. GRCh37 (hg19) VCF-style: chr11-65325342-A-C.
Other names: p.Leu30Arg; c.-259T>G (NM_001164266.1); c.89T>G, p.Leu30Arg (NM_021070.4); c.89T>G (NM_001130144.2); short protein forms L30R.
Identifiers: ClinVar variation 1392553 (VCV001392553.10), dbSNP rs966781991, ClinGen allele CA223971578.

ClinVar aggregate classification (germline): Uncertain significance. Review status: criteria provided, multiple submitters, no conflicts (2 of 4 stars). 3 submissions from 3 submitters: Uncertain significance (3). Last evaluated 2025-05-21.

Conditions:
Brachyolmia-amelogenesis imperfecta syndrome. Also called: PLATYSPONDYLY WITH AMELOGENESIS IMPERFECTA; Tooth agenesis, selective, 6; Dental anomalies and short stature. Identifiers: Orphanet 2899, MedGen C1832594, MONDO:0011018, OMIM 601216. Disease mechanism: loss of function.
Inborn genetic diseases. Identifiers: MedGen C0950123, MeSH D030342.

Allele frequency attached by ClinVar (database versions not stated): gnomAD exomes 0.00001 and 0.00002; TOPMed 0.00017; gnomAD 0.00018.
gnomAD v4.1: 41 of 1,321,270 alleles (0.0031%); highest among the groups gnomAD compares: African/African-American, 0.057%; no homozygotes.

Submissions (3):

Labcorp Genetics (formerly Invitae), Labcorp
Classification: Uncertain significance for Brachyolmia-amelogenesis imperfecta syndrome. Last evaluated: 2025-05-21. Review status: criteria provided, single submitter. Criteria: Invitae Variant Classification Sherloc (09022015). Collection method: clinical testing. Allele origin: germline.
Comment: This sequence change replaces leucine, which is neutral and non-polar, with arginine, which is basic and polar, at codon 30 of the LTBP3 protein (p.Leu30Arg). The frequency data for this variant in the population databases is considered unreliable, as metrics indicate poor data quality at this position in the gnomAD database. This variant has not been reported in the literature in individuals affected with LTBP3-related conditions. ClinVar contains an entry for this variant (Variation ID: 1392553). Experimental studies and prediction algorithms are not available or were not evaluated, and the functional significance of this variant is currently unknown. In summary, the available evidence is currently insufficient to determine the role of this variant in disease. Therefore, it has been classified as a Variant of Uncertain Significance.

Mayo Clinic Laboratories, Mayo Clinic
Classification: Uncertain significance. Last evaluated: 2023-03-15. Review status: criteria provided, single submitter. Criteria: ACMG Guidelines, 2015. Collection method: clinical testing. Allele origin: germline. Observed: 1 variant allele.

Ambry Genetics
Classification: Uncertain significance for Inborn genetic diseases. Last evaluated: 2022-01-07. Review status: criteria provided, single submitter. Criteria: Ambry Variant Classification Scheme 2023. Collection method: clinical testing. Allele origin: germline.